The following is an entry in ClinVar:

NM_001287491.2(TET3):c.4494G>C (p.Gln1498His)

Gene: TET3 (tet methylcytosine dioxygenase 3; plus strand). Cytogenetic location: 2p13.1.
Variant type: single nucleotide variant.
Coding change: c.4494G>C on transcript NM_001287491.2 (MANE Select); coding-DNA position 4494, G replaced by C.
Protein change: p.Gln1498His; replaces glutamine 1498 with histidine.
Molecular consequence: missense variant.
Genome position (GRCh38, 1-based): chr2:74,101,282, G>C. VCF-style: chr2-74101282-G-C. GRCh37 (hg19) VCF-style: chr2-74328409-G-C.
Other names: c.4215G>C, p.Gln1405His (NM_001366022.1); short protein forms Q1405H, Q1498H.
Identifiers: ClinVar variation 5036947 (VCV005036947.1).

ClinVar aggregate classification (germline): Uncertain significance (1 of 4 stars; one submission).

Submission:

GeneDx
Classification: Uncertain significance. Last evaluated: 2026-04-06. Review status: criteria provided, single submitter. Criteria: GeneDx Variant Classification Process June 2021. Collection method: clinical testing. Allele origin: germline.
Comment: Not observed at significant frequency in large population cohorts (gnomAD); Has not been previously published as pathogenic or benign to our knowledge; In silico analysis does not support a benign or deleterious effect of this variant on protein structure/function